The following is an entry in ClinVar:

ClinVar aggregate classification (germline): Likely benign (1 of 4 stars; one submission).

Conditions:
Breast-ovarian cancer, familial, susceptibility to, 4. Identifiers: Orphanet 145, MedGen C3280345, MONDO:0013669, OMIM 614291.

Submission:

Myriad Genetics, Inc.
Classification: Likely benign for Breast-ovarian cancer, familial, susceptibility to, 4. Last evaluated: 2025-02-24. Review status: criteria provided, single submitter. Criteria: Myriad Autosomal Dominant, Autosomal Recessive and X-Linked Classification Criteria (2023). Collection method: clinical testing. Allele origin: unknown.
Comment: This variant is considered likely benign. This variant is intronic and is not expected to impact mRNA splicing.

NM_002878.4(RAD51D):c.577-15C>T

Genes: RAD51D (RAD51 paralog D; minus strand), RAD51L3-RFFL (RAD51L3-RFFL readthrough; minus strand). Cytogenetic location: 17q12.
Variant type: single nucleotide variant.
Coding change: c.577-15C>T on transcript NM_002878.4 (MANE Select); 15 bases into the intron before coding-DNA position 577, C replaced by T.
Molecular consequence: intron variant.
Genome position (GRCh38, 1-based): chr17:35,103,559, G>A on the plus strand (C>T on the coding strand, the complement: RAD51D is on the minus strand). VCF-style: chr17-35103559-G-A. GRCh37 (hg19) VCF-style: chr17-33430578-G-A.
Other names: c.241-15C>T (NM_133629.3); c.637-15C>T (NM_001142571.2).
Identifiers: ClinVar variation 3903746 (VCV003903746.1).